The following is an entry in ClinVar:

ClinVar aggregate classification (germline): Uncertain significance (1 of 4 stars; one submission).

Conditions:
Hereditary cancer-predisposing syndrome. Also called: Hereditary neoplastic syndrome; Neoplastic Syndromes, Hereditary; Tumor predisposition; Hereditary Cancer Syndrome. Identifiers: Orphanet 140162, MedGen C0027672, MeSH D009386, MONDO:0015356.

Submission:

Ambry Genetics
Classification: Uncertain significance for Hereditary cancer-predisposing syndrome. Last evaluated: 2025-02-11. Review status: criteria provided, single submitter. Criteria: Ambry Variant Classification Scheme 2023. Collection method: clinical testing. Allele origin: germline.
Comment: The c.2576-5T>C intronic variant results from a T to C substitution 5 nucleotides upstream from coding exon 18 in the BRIP1 gene. This nucleotide position is poorly conserved in available vertebrate species. In silico splice site analysis predicts that this alteration will not have any significant effect on splicing. Based on the available evidence, the clinical significance of this variant remains unclear.

NM_032043.3(BRIP1):c.2576-5T>C

Gene: BRIP1 (BRCA1 interacting DNA helicase 1; minus strand). Cytogenetic location: 17q23.2.
Variant type: single nucleotide variant.
Coding change: c.2576-5T>C on transcript NM_032043.3 (MANE Select); 5 bases into the intron before coding-DNA position 2576, T replaced by C.
Molecular consequence: intron variant.
Genome position (GRCh38, 1-based): chr17:61,686,170, A>G on the plus strand (T>C on the coding strand, the complement: BRIP1 is on the minus strand). VCF-style: chr17-61686170-A-G. GRCh37 (hg19) VCF-style: chr17-59763531-A-G.
Identifiers: ClinVar variation 3825684 (VCV003825684.1).